The following is an entry in ClinVar:

NM_001384900.1(SEMA3D):c.1583A>G (p.Gln528Arg)

Gene: SEMA3D (semaphorin 3D; minus strand). Cytogenetic location: 7q21.11.
Variant type: single nucleotide variant.
Coding change: c.1583A>G on transcript NM_001384900.1 (MANE Select); coding-DNA position 1583, A replaced by G.
Protein change: p.Gln528Arg; replaces glutamine 528 with arginine.
Molecular consequence: missense variant.
Genome position (GRCh38, 1-based): chr7:85,015,179, T>C on the plus strand (A>G on the coding strand, the complement: SEMA3D is on the minus strand). VCF-style: chr7-85015179-T-C. GRCh37 (hg19) VCF-style: chr7-84644495-T-C.
Other names: c.1583A>G, p.Gln528Arg (NM_001384901.1, NM_001384902.1, NM_001384903.1 and 1 more transcripts); short protein forms Q528R.
Identifiers: ClinVar variation 3357228 (VCV003357228.3).
Genomic context (GRCh38, chr7:85,015,179, plus strand): 5'-CTGGCAAGACAACAGTCTGCGCAAGCTTTCCCATAAGTGTCGCATCTGTGCAAGGAGAGC[T>C]GAACCAATCCATCTCGGGAACCAATGTACAATTGTTGCTGCAAATCGGGCAAAACAAATG-3'
Protein context (NP_001371829.1, residues 518-538): LYIGSRDGLV[Gln528Arg]LSLHRCDTYG

ClinVar aggregate classification (germline): Uncertain significance. Review status: criteria provided, multiple submitters, no conflicts (2 of 4 stars). 2 submissions from 2 submitters: Uncertain significance (2). Last evaluated 2026-04-21.

Conditions:
SEMA3D-related disorder. Also called: SEMA3D-related condition.

gnomAD v4.1: 32 of 1,611,266 alleles (0.002%); highest among the groups gnomAD compares: Non-Finnish European, 0.00042%; no homozygotes.

Submissions (2):

PreventionGenetics, part of Exact Sciences
Classification: Uncertain significance for SEMA3D-related condition. Last evaluated: 2026-04-21. Review status: criteria provided, single submitter. Criteria: ACMG Guidelines, 2015. Collection method: clinical testing. Allele origin: germline.
Comment: The SEMA3D c.1583A>G variant is predicted to result in the amino acid substitution p.Gln528Arg. To our knowledge, this variant has not been reported in the literature. This variant is reported in 0.058% of alleles in individuals of Ashkenazi Jewish descent in gnomAD, which is likely too common for an undocumented disease-causing variant. Although we suspect that this variant may be benign, at this time, the clinical significance of this variant is uncertain due to the absence of conclusive functional and genetic evidence.

Ambry Genetics
Classification: Uncertain significance. Last evaluated: 2024-11-09. Review status: criteria provided, single submitter. Criteria: Ambry Variant Classification Scheme 2023. Collection method: clinical testing. Allele origin: germline.